The following is an entry in ClinVar:

ClinVar aggregate classification (germline): Uncertain significance (1 of 4 stars; one submission).

Allele frequency attached by ClinVar (database versions not stated): ExAC 0.00002; gnomAD exomes 0.00002.
gnomAD v4.1: 36 of 1,613,826 alleles (0.0022%); highest among the groups gnomAD compares: Non-Finnish European, 0.0028%; no homozygotes.

Submission:

Labcorp Genetics (formerly Invitae), Labcorp
Classification: Uncertain significance. Last evaluated: 2025-01-30. Review status: criteria provided, single submitter. Criteria: Invitae Variant Classification Sherloc (09022015). Collection method: clinical testing. Allele origin: germline.
Comment: This sequence change falls in intron 15 of the MICAL1 gene. It does not directly change the encoded amino acid sequence of the MICAL1 protein. It affects a nucleotide within the consensus splice site. This variant is present in population databases (rs769415507, gnomAD 0.004%). This variant has not been reported in the literature in individuals affected with MICAL1-related conditions. ClinVar contains an entry for this variant (Variation ID: 1419811). Variants that disrupt the consensus splice site are a relatively common cause of aberrant splicing (PMID: 17576681, 9536098). Algorithms developed to predict the effect of sequence changes on RNA splicing suggest that this variant may disrupt the consensus splice site. In summary, the available evidence is currently insufficient to determine the role of this variant in disease. Therefore, it has been classified as a Variant of Uncertain Significance.

Literature cited by the submitters: PubMed 17576681; PubMed 9536098.

NM_022765.4(MICAL1):c.1986+6T>G

Gene: MICAL1 (microtubule associated monooxygenase, calponin and LIM domain containing 1; minus strand). Cytogenetic location: 6q21.
Variant type: single nucleotide variant.
Coding change: c.1986+6T>G on transcript NM_022765.4 (MANE Select); 6 bases into the intron after coding-DNA position 1986, T replaced by G.
Molecular consequence: intron variant.
Genome position (GRCh38, 1-based): chr6:109,447,675, A>C on the plus strand (T>G on the coding strand, the complement: MICAL1 is on the minus strand). VCF-style: chr6-109447675-A-C. GRCh37 (hg19) VCF-style: chr6-109768878-A-C.
Other names: c.2043+6T>G (NM_001286613.2); c.1728+6T>G (NM_001159291.2).
Identifiers: ClinVar variation 1419811 (VCV001419811.6), dbSNP rs769415507, ClinGen allele CA3953136.